The following is an entry in ClinVar:

ClinVar aggregate classification (germline): Likely pathogenic (1 of 4 stars; one submission).

Submission:

Labcorp Genetics (formerly Invitae), Labcorp
Classification: Likely pathogenic. Last evaluated: 2026-01-04. Review status: criteria provided, single submitter. Criteria: Invitae Variant Classification Sherloc (09022015). Collection method: clinical testing. Allele origin: germline.
Comment: This sequence change replaces leucine, which is neutral and non-polar, with arginine, which is basic and polar, at codon 436 of the OCA2 protein (p.Leu436Arg). This variant is not present in population databases (gnomAD no frequency). This missense change has been observed in individual(s) with clinical features of oculocutaneous albinism (internal data). In at least one individual the data is consistent with being in trans (on the opposite chromosome) from a pathogenic variant. Invitae Evidence Modeling of protein sequence and biophysical properties (such as structural, functional, and spatial information, amino acid conservation, physicochemical variation, residue mobility, and thermodynamic stability) indicates that this missense variant is expected to disrupt OCA2 protein function with a positive predictive value of 80%. In summary, the currently available evidence indicates that the variant is pathogenic, but additional data are needed to prove that conclusively. Therefore, this variant has been classified as Likely Pathogenic.

NM_000275.3(OCA2):c.1307T>G (p.Leu436Arg)

Gene: OCA2 (OCA2 melanosomal transmembrane protein; minus strand). Cytogenetic location: 15q13.1.
Variant type: single nucleotide variant.
Coding change: c.1307T>G on transcript NM_000275.3 (MANE Select); coding-DNA position 1307, T replaced by G.
Protein change: p.Leu436Arg; replaces leucine 436 with arginine.
Molecular consequence: missense variant.
Genome position (GRCh38, 1-based): chr15:27,985,121, A>C on the plus strand (T>G on the coding strand, the complement: OCA2 is on the minus strand). VCF-style: chr15-27985121-A-C. GRCh37 (hg19) VCF-style: chr15-28230267-A-C.
Other names: c.1235T>G, p.Leu412Arg (NM_001300984.2); short protein forms L436R, L412R.
Identifiers: ClinVar variation 4746563 (VCV004746563.1).